The following is an entry in ClinVar:

NM_000525.4(KCNJ11):c.993dup (p.Lys332fs)

Gene: KCNJ11 (potassium inwardly rectifying channel subfamily J member 11; minus strand). Cytogenetic location: 11p15.1.
Variant type: Duplication.
Coding change: c.993dup on transcript NM_000525.4 (MANE Select); coding-DNA position 993, one base duplicated (C; older notation c.993dupC).
Protein change: p.Lys332fs; shifts the reading frame from lysine 332.
Molecular consequence: frameshift variant.
Genome position (GRCh38, 1-based): chr11:17,387,099, G duplicated on the plus strand (C on the coding strand, the reverse complement: KCNJ11 is on the minus strand); the first of 2 consecutive G bases (chr11:17,387,099-17,387,100); duplicating either gives the same sequence. VCF-style (leftmost placement, unchanged base first): chr11-17387098-T-TG. GRCh37 (hg19) VCF-style: chr11-17408645-T-TG.
Other names: c.993dup (NM_000525.3); c.732dup, p.Lys245fs (NM_001166290.2, NM_001377296.1, NM_001377297.1); short protein forms K245fs, K332fs.
Identifiers: ClinVar variation 2676203 (VCV002676203.2), dbSNP rs2496407839, ClinGen allele CA2695201082.

ClinVar aggregate classification (germline): Likely pathogenic. Review status: criteria provided, multiple submitters, no conflicts (2 of 4 stars). 2 submissions from 2 submitters: Likely pathogenic (2). Last evaluated 2024-07-26.

Conditions:
Permanent neonatal diabetes mellitus (PNDM). Identifiers: Orphanet 99885, MedGen C1833104, MONDO:0100164, MONDO:0011643. Disease mechanism: gain of function.
Type 2 diabetes mellitus. Also called: Type II diabetes mellitus. Identifiers: MedGen C0011860, MeSH D003924, MONDO:0005148, OMIM 125853, HP:0005978.

Submissions (2):

Natera, Inc.
Classification: Likely pathogenic for Permanent neonatal diabetes mellitus. Last evaluated: 2024-07-26. Review status: criteria provided, single submitter. Criteria: Natera Variant Classification Schema (03/2026). Collection method: clinical testing. Allele origin: germline.
Comment: The c.993dup variant in KCNJ11 is a frameshift variant predicted to shift the reading frame beginning at codon 332 and leads to a stop codon 19 codons downstream. This variant is expected to result in nonsense mediated decay, truncation, or a dysfunctional protein product. This variant is rare in the general population with a frequency below the threshold expected for the associated phenotype(s). Given the available evidence, this variant is classified as Likely Pathogenic.

Baylor Genetics
Classification: Likely pathogenic for Type 2 diabetes mellitus. Last evaluated: 2023-09-19. Review status: criteria provided, single submitter. Criteria: ACMG Guidelines, 2015. Collection method: clinical testing. Allele origin: unknown.